The following is an entry in ClinVar:

ClinVar aggregate classification (germline): Uncertain significance. Review status: criteria provided, multiple submitters, no conflicts (2 of 4 stars). 2 submissions from 2 submitters: Uncertain significance (2). Last evaluated 2024-03-27.

Conditions:
Hereditary cancer-predisposing syndrome. Also called: Tumor predisposition; Hereditary Cancer Syndrome; Hereditary neoplastic syndrome; Neoplastic Syndromes, Hereditary. Identifiers: Orphanet 140162, MedGen C0027672, MeSH D009386, MONDO:0015356.
Hereditary nonpolyposis colorectal neoplasms. Identifiers: MedGen C0009405, MeSH D003123.

Submissions (2):

Labcorp Genetics (formerly Invitae), Labcorp
Classification: Uncertain significance for Hereditary nonpolyposis colorectal neoplasms. Last evaluated: 2024-03-27. Review status: criteria provided, single submitter. Criteria: Invitae Variant Classification Sherloc (09022015). Collection method: clinical testing. Allele origin: germline.
Comment: This sequence change replaces threonine, which is neutral and polar, with isoleucine, which is neutral and non-polar, at codon 1355 of the MSH6 protein (p.Thr1355Ile). This variant is not present in population databases (gnomAD no frequency). This variant has not been reported in the literature in individuals affected with MSH6-related conditions. ClinVar contains an entry for this variant (Variation ID: 2587373). Advanced modeling of protein sequence and biophysical properties (such as structural, functional, and spatial information, amino acid conservation, physicochemical variation, residue mobility, and thermodynamic stability) performed at Invitae indicates that this missense variant is not expected to disrupt MSH6 protein function with a negative predictive value of 95%. In summary, the available evidence is currently insufficient to determine the role of this variant in disease. Therefore, it has been classified as a Variant of Uncertain Significance.

Ambry Genetics
Classification: Uncertain significance for Hereditary cancer-predisposing syndrome. Last evaluated: 2023-09-14. Review status: criteria provided, single submitter. Criteria: Ambry Variant Classification Scheme 2023. Collection method: clinical testing. Allele origin: germline.
Comment: The p.T1355I variant (also known as c.4064C>T), located in coding exon 10 of the MSH6 gene, results from a C to T substitution at nucleotide position 4064. The threonine at codon 1355 is replaced by isoleucine, an amino acid with similar properties. This amino acid position is conserved. In addition, the in silico prediction for this alteration is inconclusive. Since supporting evidence is limited at this time, the clinical significance of this alteration remains unclear.

NM_000179.3(MSH6):c.4064C>T (p.Thr1355Ile)

Gene: MSH6 (mutS homolog 6; plus strand). Cytogenetic location: 2p16.3.
Variant type: single nucleotide variant.
Coding change: c.4064C>T on transcript NM_000179.3 (MANE Select); coding-DNA position 4064, C replaced by T.
Protein change: p.Thr1355Ile; replaces threonine 1355 with isoleucine.
Molecular consequence: missense variant. On other transcripts: 3 prime UTR variant (5), non-coding transcript variant (5).
Genome position (GRCh38, 1-based): chr2:47,806,841, C>T. VCF-style: chr2-47806841-C-T. GRCh37 (hg19) VCF-style: chr2-48033980-C-T.
Other names: c.3674C>T, p.Thr1225Ile (NM_001281492.2); c.3158C>T, p.Thr1053Ile (NM_001281493.2, NM_001281494.2, NM_001406811.1 and 6 more transcripts); c.4160C>T, p.Thr1387Ile (NM_001406795.1); c.4064C>T, p.Thr1355Ile (NM_001406796.1, NM_001406809.1); c.3767C>T, p.Thr1256Ile (NM_001406797.1, NM_001406805.1, NM_001406818.1 and 8 more transcripts); c.3890C>T, p.Thr1297Ile (NM_001406798.1); c.3539C>T, p.Thr1180Ile (NM_001406799.1, NM_001406806.1, NM_001406807.1); c.*85C>T (NM_001406800.1); and 9 more; short protein forms T282I, T304I, T833I, T1256I, T1299I, T1180I, T1329I, T670I.
Identifiers: ClinVar variation 2587373 (VCV002587373.4), dbSNP rs863224627, ClinGen allele CA346761743.
Genomic context (GRCh38, chr2:47,806,841, plus strand): 5'-AAGTTTGCCTGGCTAGTGAAAGGTCAACTGTAGATGCTGAAGCTGTCCATAAATTGCTGA[C>T]TTTGATTAAGGAATTATAGACTGACTACATTGGAAGCTTTGAGTTGACTTCTGACAAAGG-3'
Protein context (NP_000170.1, residues 1345-1360): VDAEAVHKLL[Thr1355Ile]LIKEL